The following is an entry in ClinVar:

ClinVar aggregate classification (germline): Pathogenic (1 of 4 stars; one submission).

Conditions:
Thyroglobulin synthesis defect (TDH5). Also called: Thyroid dyshormonogenesis 5; HYPOTHYROIDISM, CONGENITAL, DUE TO DYSHORMONOGENESIS, 5; THYROID HORMONOGENESIS, GENETIC DEFECT IN, 5. Identifiers: Orphanet 95716, MedGen C0342196, MONDO:0010137, OMIM 274900.

Submission:

Victorian Clinical Genetics Services, Murdoch Childrens Research Institute
Classification: Pathogenic for Thyroglobulin synthesis defect. Last evaluated: 2021-05-06. Review status: criteria provided, single submitter. Criteria: ACMG Guidelines, 2015. Collection method: clinical testing. Allele origin: germline. Inheritance: Autosomal recessive inheritance.
Comment: Based on the classification scheme VCGS_Germline_v1.3.4, this variant is classified as Pathogenic. Following criteria are met: 0102 - Loss of function is a known mechanism of disease in this gene and is associated with thyroid dyshormonogenesis 5 (MIM#274900). (I) 0106 - This gene is associated with autosomal recessive disease. (I) 0201 - Variant is predicted to cause nonsense-mediated decay (NMD) and loss of protein (premature termination codon is located at least 54 nucleotides upstream of the final exon-exon junction). (SP) 0251 - This variant is heterozygous. (I) 0301 - Variant is absent from gnomAD (both v2 and v3). (SP) 0702 - Other NMD-predicted variants comparable to the one identified in this case have strong previous evidence for pathogenicity. More than five other variants predicted to cause a loss of function effect have previously been reported as pathogenic in individuals with thyroid dyshormonogenesis 5 (MIM#274900) (ClinVar). (SP) 0807 - This variant has no previous evidence of pathogenicity. (I) 0905 - No published segregation evidence has been identified for this variant. (I) 1007 - No published functional evidence has been identified for this variant. (I) 1208 - Inheritance information for this variant is not currently available in this individual. (I) Legend: (SP) - Supporting pathogenic, (I) - Information, (SB) - Supporting benign

NM_207581.4(DUOXA2):c.298del (p.Arg100fs)

Gene: DUOXA2 (dual oxidase maturation factor 2; plus strand). Cytogenetic location: 15q21.1.
Variant type: Deletion.
Coding change: c.298del on transcript NM_207581.4 (MANE Select); coding-DNA position 298, one base deleted (C; older notation c.298delC).
Protein change: p.Arg100fs; shifts the reading frame from arginine 100.
Molecular consequence: frameshift variant.
Genome position (GRCh38, 1-based): chr15:45,116,216, C deleted; the last of 2 consecutive C bases (chr15:45,116,215-45,116,216); deleting either gives the same sequence. VCF-style (leftmost placement, unchanged base first): chr15-45116214-TC-T. GRCh37 (hg19) VCF-style: chr15-45408412-TC-T.
Other names: short protein forms R100fs.
Identifiers: ClinVar variation 1806167 (VCV001806167.1), dbSNP rs2504803353, ClinGen allele CA1139771229.